The following is an entry in ClinVar:

NM_016616.5(NME8):c.650T>C (p.Met217Thr)

Gene: NME8 (NME/NM23 family member 8; plus strand). Cytogenetic location: 7p14.1.
Variant type: single nucleotide variant.
Coding change: c.650T>C on transcript NM_016616.5 (MANE Select); coding-DNA position 650, T replaced by C.
Protein change: p.Met217Thr; replaces methionine 217 with threonine.
Molecular consequence: missense variant.
Genome position (GRCh38, 1-based): chr7:37,867,730, T>C. VCF-style: chr7-37867730-T-C. GRCh37 (hg19) VCF-style: chr7-37907332-T-C.
Other names: short protein forms M217T.
Identifiers: ClinVar variation 2910603 (VCV002910603.3), dbSNP rs146829478, ClinGen allele CA4222297.

ClinVar aggregate classification (germline): Uncertain significance (1 of 4 stars; one submission).

Conditions:
Primary ciliary dyskinesia 6. Also called: Primary Ciliary Dyskinesia 6: TXNDC3-Related Primary Ciliary Dyskinesia. Identifiers: Orphanet 244, MedGen C1970506, MONDO:0012571, OMIM 610852.

Allele frequency attached by ClinVar (database versions not stated): gnomAD exomes 0.00003; gnomAD 0.00006; TOPMed 0.00009; ExAC 0.00011; 1000 Genomes Project 30x 0.00047; 1000 Genomes Project 0.00060.
gnomAD v4.1: 56 of 1,613,524 alleles (0.0035%); highest among the groups gnomAD compares: East Asian, 0.12%; 1 homozygote.

Submission:

Labcorp Genetics (formerly Invitae), Labcorp
Classification: Uncertain significance for Primary ciliary dyskinesia 6. Last evaluated: 2025-10-14. Review status: criteria provided, single submitter. Criteria: Invitae Variant Classification Sherloc (09022015). Collection method: clinical testing. Allele origin: germline.
Comment: This sequence change replaces methionine, which is neutral and non-polar, with threonine, which is neutral and polar, at codon 217 of the NME8 protein (p.Met217Thr). This variant is present in population databases (rs146829478, gnomAD 0.1%), and has an allele count higher than expected for a pathogenic variant. This variant has not been reported in the literature in individuals affected with NME8-related conditions. ClinVar contains an entry for this variant (Variation ID: 2910603). Invitae Evidence Modeling of protein sequence and biophysical properties (such as structural, functional, and spatial information, amino acid conservation, physicochemical variation, residue mobility, and thermodynamic stability) has been performed for this missense variant. However, the output from this modeling did not meet the statistical confidence thresholds required to predict the impact of this variant on NME8 protein function. In summary, the available evidence is currently insufficient to determine the role of this variant in disease. Therefore, it has been classified as a Variant of Uncertain Significance.